The following is an entry in ClinVar:

ClinVar aggregate classification (germline): Uncertain significance (1 of 4 stars; one submission).

Allele frequency attached by ClinVar (database versions not stated): TOPMed below 0.00001; gnomAD exomes 0.00001; ExAC 0.00004.
gnomAD v4.1: 10 of 1,613,994 alleles (0.00062%); highest among the groups gnomAD compares: Admixed American, 0.015%; no homozygotes.

Submission:

Labcorp Genetics (formerly Invitae), Labcorp
Classification: Uncertain significance. Last evaluated: 2024-06-17. Review status: criteria provided, single submitter. Criteria: Invitae Variant Classification Sherloc (09022015). Collection method: clinical testing. Allele origin: germline.
Comment: This sequence change replaces glycine, which is neutral and non-polar, with glutamic acid, which is acidic and polar, at codon 124 of the HMCN1 protein (p.Gly124Glu). This variant is present in population databases (rs753588263, gnomAD 0.02%). This variant has not been reported in the literature in individuals affected with HMCN1-related conditions. An algorithm developed to predict the effect of missense changes on protein structure and function (PolyPhen-2) suggests that this variant is likely to be tolerated. In summary, the available evidence is currently insufficient to determine the role of this variant in disease. Therefore, it has been classified as a Variant of Uncertain Significance.

NM_031935.3(HMCN1):c.371G>A (p.Gly124Glu)

Gene: HMCN1 (hemicentin 1; plus strand). Cytogenetic location: 1q31.1.
Variant type: single nucleotide variant.
Coding change: c.371G>A on transcript NM_031935.3 (MANE Select); coding-DNA position 371, G replaced by A.
Protein change: p.Gly124Glu; replaces glycine 124 with glutamic acid.
Molecular consequence: missense variant.
Genome position (GRCh38, 1-based): chr1:185,864,501, G>A. VCF-style: chr1-185864501-G-A. GRCh37 (hg19) VCF-style: chr1-185833633-G-A.
Other names: short protein forms G124E.
Identifiers: ClinVar variation 2893880 (VCV002893880.3), dbSNP rs753588263, ClinGen allele CA1290821.